The following is an entry in ClinVar:

ClinVar aggregate classification (germline): Uncertain significance (1 of 4 stars; one submission).

Conditions:
Chédiak-Higashi syndrome (CHS). Also called: Chediak-Higashi Syndrome. Identifiers: Orphanet 167, MedGen C0007965, MONDO:0008963, OMIM 214500.

Submission:

Labcorp Genetics (formerly Invitae), Labcorp
Classification: Uncertain significance for Chédiak-Higashi syndrome. Last evaluated: 2025-03-03. Review status: criteria provided, single submitter. Criteria: Invitae Variant Classification Sherloc (09022015). Collection method: clinical testing. Allele origin: germline.
Comment: This sequence change replaces alanine, which is neutral and non-polar, with proline, which is neutral and non-polar, at codon 2860 of the LYST protein (p.Ala2860Pro). This variant is not present in population databases (gnomAD no frequency). This variant has not been reported in the literature in individuals affected with LYST-related conditions. ClinVar contains an entry for this variant (Variation ID: 2118522). Invitae Evidence Modeling of protein sequence and biophysical properties (such as structural, functional, and spatial information, amino acid conservation, physicochemical variation, residue mobility, and thermodynamic stability) has been performed for this missense variant. However, the output from this modeling did not meet the statistical confidence thresholds required to predict the impact of this variant on LYST protein function. In summary, the available evidence is currently insufficient to determine the role of this variant in disease. Therefore, it has been classified as a Variant of Uncertain Significance.

NM_000081.4(LYST):c.8578G>C (p.Ala2860Pro)

Gene: LYST (lysosomal trafficking regulator; minus strand). Cytogenetic location: 1q42.3.
Variant type: single nucleotide variant.
Coding change: c.8578G>C on transcript NM_000081.4 (MANE Select); coding-DNA position 8578, G replaced by C.
Protein change: p.Ala2860Pro; replaces alanine 2860 with proline.
Molecular consequence: missense variant.
Genome position (GRCh38, 1-based): chr1:235,733,864, C>G on the plus strand (G>C on the coding strand, the complement: LYST is on the minus strand). VCF-style: chr1-235733864-C-G. GRCh37 (hg19) VCF-style: chr1-235897164-C-G.
Other names: c.8578G>C, p.Ala2860Pro (NM_001301365.1); short protein forms A2860P.
Identifiers: ClinVar variation 2118522 (VCV002118522.4), dbSNP rs2527552984, ClinGen allele CA344920680.